The following is an entry in ClinVar:

ClinVar aggregate classification (germline): Uncertain significance (1 of 4 stars; one submission).

Conditions:
Hereditary cancer-predisposing syndrome. Also called: Hereditary neoplastic syndrome; Hereditary Cancer Syndrome; Neoplastic Syndromes, Hereditary; Tumor predisposition. Identifiers: Orphanet 140162, MedGen C0027672, MeSH D009386, MONDO:0015356.

Submission:

Ambry Genetics
Classification: Uncertain significance for Hereditary cancer-predisposing syndrome. Last evaluated: 2023-05-14. Review status: criteria provided, single submitter. Criteria: Ambry Variant Classification Scheme 2023. Collection method: clinical testing. Allele origin: germline.
Comment: The p.Q611E variant (also known as c.1831C>G), located in coding exon 14 of the SDHA gene, results from a C to G substitution at nucleotide position 1831. The glutamine at codon 611 is replaced by glutamic acid, an amino acid with highly similar properties. This amino acid position is conserved. In addition, this alteration is predicted to be tolerated by in silico analysis. Since supporting evidence is limited at this time, the clinical significance of this alteration remains unclear.

NM_004168.4(SDHA):c.1831C>G (p.Gln611Glu)

Gene: SDHA (succinate dehydrogenase complex flavoprotein subunit A; plus strand). Cytogenetic location: 5p15.33.
Variant type: single nucleotide variant.
Coding change: c.1831C>G on transcript NM_004168.4 (MANE Select); coding-DNA position 1831, C replaced by G.
Protein change: p.Gln611Glu; replaces glutamine 611 with glutamic acid.
Molecular consequence: missense variant.
Genome position (GRCh38, 1-based): chr5:254,429, C>G. VCF-style: chr5-254429-C-G. GRCh37 (hg19) VCF-style: chr5-254544-C-G.
Other names: c.1687C>G, p.Gln563Glu (NM_001294332.2); c.1588C>G, p.Gln530Glu (NM_001330758.2); short protein forms Q530E, Q611E, Q563E.
Identifiers: ClinVar variation 2567099 (VCV002567099.2), dbSNP rs1579445044, ClinGen allele CA359001832.